The following is an entry in ClinVar:

ClinVar aggregate classification (germline): Uncertain significance (1 of 4 stars; one submission).

Allele frequency attached by ClinVar (database versions not stated): gnomAD exomes below 0.00001.
gnomAD v4.1: 1 of 1,614,162 alleles (0.000062%); highest among the groups gnomAD compares: Non-Finnish European, 0.000085%; no homozygotes.

Submission:

GeneDx
Classification: Uncertain significance. Last evaluated: 2025-01-16. Review status: criteria provided, single submitter. Criteria: GeneDx Variant Classification Process June 2021. Collection method: clinical testing. Allele origin: germline. Affected: yes.
Comment: Has not been previously reported as pathogenic or benign in the germline to our knowledge; however, observed as a somatic variant in the tumor tissue of an individual with urothelial carcinoma in published literature (PMID: 25502898); Not observed at significant frequency in large population cohorts (gnomAD); In silico analysis supports that this missense variant has a deleterious effect on protein structure/function; This variant is associated with the following publications: (PMID: 25502898)

NM_006015.6(ARID1A):c.6203C>T (p.Ser2068Leu)

Gene: ARID1A (AT-rich interaction domain 1A; plus strand). Cytogenetic location: 1p36.11.
Variant type: single nucleotide variant.
Coding change: c.6203C>T on transcript NM_006015.6 (MANE Select); coding-DNA position 6203, C replaced by T.
Protein change: p.Ser2068Leu; replaces serine 2068 with leucine.
Molecular consequence: missense variant.
Genome position (GRCh38, 1-based): chr1:26,780,101, C>T. VCF-style: chr1-26780101-C-T. GRCh37 (hg19) VCF-style: chr1-27106592-C-T.
Other names: c.5552C>T, p.Ser1851Leu (NM_139135.4); short protein forms S1851L, S2068L.
Identifiers: ClinVar variation 1695510 (VCV001695510.3), dbSNP rs2124146771, ClinGen allele CA339190735.